The following is an entry in ClinVar:

NM_145261.4(DNAJC19):c.281G>T (p.Gly94Val)

Gene: DNAJC19 (DnaJ heat shock protein family (Hsp40) member C19; minus strand). Cytogenetic location: 3q26.33.
Variant type: single nucleotide variant.
Coding change: c.281G>T on transcript NM_145261.4 (MANE Select); coding-DNA position 281, G replaced by T.
Protein change: p.Gly94Val; replaces glycine 94 with valine.
Molecular consequence: missense variant. On other transcripts: non-coding transcript variant (4).
Genome position (GRCh38, 1-based): chr3:180,984,710, C>A on the plus strand (G>T on the coding strand, the complement: DNAJC19 is on the minus strand). VCF-style: chr3-180984710-C-A. GRCh37 (hg19) VCF-style: chr3-180702498-C-A.
Other names: p.G94V:GGA>GTA; c.206G>T, p.Gly69Val (NM_001190233.2); short protein forms G94V, G69V.
Identifiers: ClinVar variation 214300 (VCV000214300.3), dbSNP rs151056679, ClinGen allele CA321632.

ClinVar aggregate classification (germline): Uncertain significance (1 of 4 stars; one submission).

Allele frequency attached by ClinVar (database versions not stated): gnomAD exomes below 0.00001; ExAC 0.00002; ESP Exome Variant Server 0.00008.
gnomAD v4.1: 5 of 1,600,826 alleles (0.00031%); highest among the groups gnomAD compares: Non-Finnish European, 0.00034%; no homozygotes.

Submission:

GeneDx
Classification: Uncertain significance. Last evaluated: 2021-02-12. Review status: criteria provided, single submitter. Criteria: GeneDx Variant Classification Process June 2021. Collection method: clinical testing. Allele origin: germline. Affected: yes.
Comment: Has not been previously published as pathogenic or benign to our knowledge; Not observed in large population cohorts (Lek et al., 2016); In silico analysis, which includes protein predictors and evolutionary conservation, supports a deleterious effect